The following is an entry in ClinVar:

ClinVar aggregate classification (germline): Likely pathogenic (1 of 4 stars; one submission).

Conditions:
Developmental and epileptic encephalopathy, 62. Also called: Early infantile epileptic encephalopathy 62. Identifiers: MedGen C4693699, MONDO:0033371, OMIM 617938.

Submissions (2):

Institute of Human Genetics, University of Leipzig Medical Center
Classification: Likely pathogenic for Developmental and epileptic encephalopathy, 62. Last evaluated: 2021-12-21. Review status: criteria provided, single submitter. Criteria: ACMG Guidelines, 2015. Collection method: research. Allele origin: de novo. Affected: yes.

Channelopathy-Associated Epilepsy Research Center
No classification provided (evidence only). Condition: Developmental and epileptic encephalopathy. Review status: no classification provided. Collection method: literature only. Allele origin: not applicable. Functional consequence: Normal fast inactivation, Normal peak current, Normal slope of activation, Normal slope of fast inactivation, Normal voltage dependence of fast inactivation, Severe increase in persistent current, Severe hyperpolarizing shift of voltage dependence of activation, Overall gain-of-function. Not counted in ClinVar's aggregate classification.
ClinVar note: "not provided" was previously submitted as the classification for the variant. However, the classification appeared to be based only on an observation of functional data so it was converted to no classification on 2025-07-30.

Literature cited by the submitters: PubMed 32515017 (cited by Institute of Human Genetics, University of Leipzig Medical Center and Channelopathy-Associated Epilepsy Research Center).

NM_006922.4(SCN3A):c.2564T>C (p.Leu855Pro)

Gene: SCN3A (sodium voltage-gated channel alpha subunit 3; minus strand). Cytogenetic location: 2q24.3.
Variant type: single nucleotide variant.
Coding change: c.2564T>C on transcript NM_006922.4 (MANE Select); coding-DNA position 2564, T replaced by C.
Protein change: p.Leu855Pro; replaces leucine 855 with proline.
Molecular consequence: missense variant.
Genome position (GRCh38, 1-based): chr2:165,131,245, A>G on the plus strand (T>C on the coding strand, the complement: SCN3A is on the minus strand). VCF-style: chr2-165131245-A-G. GRCh37 (hg19) VCF-style: chr2-165987755-A-G.
Other names: c.2417T>C, p.Leu806Pro (NM_001081676.2, NM_001081677.2); short protein forms L806P, L855P.
Identifiers: ClinVar variation 1329932 (VCV001329932.3), dbSNP rs2105776898, ClinGen allele CA349043042.